The following is an entry in ClinVar:

ClinVar aggregate classification (germline): Benign (1 of 4 stars; one submission).

Conditions:
Leigh syndrome (NULS). Also called: Leigh's necrotizing encephalopathy; Leigh's disease; Leigh Syndrome (mtDNA deletion); Leigh Disease; Subacute necrotizing encephalopathy; Necrotizing encephalopathy infantile subacute of Leigh. Identifiers: Orphanet 506, MedGen C2931891, MONDO:0009723, OMIM 256000.

Submission:

Wong Mito Lab, Molecular and Human Genetics, Baylor College of Medicine
Classification: Benign for Leigh syndrome. Last evaluated: 2019-10-17. Review status: criteria provided, single submitter. Criteria: Modified ACMG Guidelines (Unpublished). Collection method: clinical testing. Allele origin: germline.
Comment: The NC_012920.1:m.8603T>C (YP_003024031.1:p.Phe26Ser) variant in MTATP6 gene is interpretated to be a Benign variant based on the modified ACMG guidelines (unpublished). This variant meets the following evidence codes: BS1, BS2

NC_012920.1(MT-ATP6):m.8603T>C

Gene: MT-ATP6 (mitochondrially encoded ATP synthase 6; plus strand).
Variant type: single nucleotide variant.
Genome position: chrM-8603-T-C.
Identifiers: ClinVar variation 692921 (VCV000692921.1), dbSNP rs1603221627, ClinGen allele CA414796883.
Genomic context (GRCh38, chrMT:8,603, plus strand): 5'-TCGCTTCATTCATTGCCCCCACAATCCTAGGCCTACCCGCCGCAGTACTGATCATTCTAT[T>C]TCCCCCTCTATTGATCCCCACCTCCAAATATCTCATCAACAACCGACTAATCACCACCCA-3'